The following is an entry in ClinVar:

ClinVar aggregate classification (germline): Uncertain significance. Review status: criteria provided, multiple submitters, no conflicts (2 of 4 stars). 2 submissions from 2 submitters: Uncertain significance (2). Last evaluated 2025-01-02.

gnomAD v4.1: 17 of 1,614,102 alleles (0.0011%); highest among the groups gnomAD compares: Admixed American, 0.0017%; no homozygotes.

Submissions (2):

Ambry Genetics
Classification: Uncertain significance. Last evaluated: 2025-01-02. Review status: criteria provided, single submitter. Criteria: Ambry Variant Classification Scheme 2023. Collection method: clinical testing. Allele origin: germline.

Labcorp Genetics (formerly Invitae), Labcorp
Classification: Uncertain significance. Last evaluated: 2024-11-04. Review status: criteria provided, single submitter. Criteria: Invitae Variant Classification Sherloc (09022015). Collection method: clinical testing. Allele origin: germline.
Comment: This sequence change replaces methionine, which is neutral and non-polar, with leucine, which is neutral and non-polar, at codon 429 of the ARHGEF10 protein (p.Met429Leu). This variant is present in population databases (rs752402108, gnomAD 0.004%). This variant has not been reported in the literature in individuals affected with ARHGEF10-related conditions. Invitae Evidence Modeling of protein sequence and biophysical properties (such as structural, functional, and spatial information, amino acid conservation, physicochemical variation, residue mobility, and thermodynamic stability) indicates that this missense variant is not expected to disrupt ARHGEF10 protein function with a negative predictive value of 80%. In summary, the available evidence is currently insufficient to determine the role of this variant in disease. Therefore, it has been classified as a Variant of Uncertain Significance.

NM_014629.4(ARHGEF10):c.1285A>T (p.Met429Leu)

Gene: ARHGEF10 (Rho guanine nucleotide exchange factor 10; plus strand). Cytogenetic location: 8p23.3.
Variant type: single nucleotide variant.
Coding change: c.1285A>T on transcript NM_014629.4 (MANE Select); coding-DNA position 1285, A replaced by T.
Protein change: p.Met429Leu; replaces methionine 429 with leucine.
Molecular consequence: missense variant.
Genome position (GRCh38, 1-based): chr8:1,894,417, A>T. VCF-style: chr8-1894417-A-T. GRCh37 (hg19) VCF-style: chr8-1842583-A-T.
Other names: c.1171A>T, p.Met391Leu (NM_001308152.2); c.1288A>T, p.Met430Leu (NM_001308153.3); short protein forms M391L, M429L, M454L, M430L.
Identifiers: ClinVar variation 3606415 (VCV003606415.3).
Genomic context (GRCh38, chr8:1,894,417, plus strand): 5'-GAAAAGTCTGAACTGTCTTTGCTCATTTTGTCTTAGCAATATGAGAAGCCGCTGTCTGAG[A>T]TGGAGCCAAAGGTTCTGAGTGAGAGGAAGCTGAAGACGGTGTTCTACCGAGTCAAAGAGA-3'
Protein context (NP_055444.2, residues 419-439): LEQYEKPLSE[Met429Leu]EPKVLSERKL